The following is an entry in ClinVar:

ClinVar aggregate classification (germline): Likely benign (1 of 4 stars; one submission).

Submission:

CeGaT Center for Human Genetics Tuebingen
Classification: Likely benign. Last evaluated: 2022-06-01. Review status: criteria provided, single submitter. Criteria: CeGaT Center For Human Genetics Tuebingen Variant Classification Criteria Version 2. Collection method: clinical testing. Allele origin: germline. Affected: yes. Observed: 1 variant allele.
Comment: CRP: PM2:Supporting, BP4, BP7

NM_000567.3(CRP):c.339C>T (p.His113=)

Gene: CRP (C-reactive protein; minus strand). Cytogenetic location: 1q23.2.
Variant type: single nucleotide variant.
Coding change: c.339C>T on transcript NM_000567.3 (MANE Select); coding-DNA position 339, C replaced by T.
Protein change: p.His113=; no amino-acid change (histidine 113 retained).
Molecular consequence: synonymous variant. On other transcripts: intron variant (2).
Genome position (GRCh38, 1-based): chr1:159,713,861, G>A on the plus strand (C>T on the coding strand, the complement: CRP is on the minus strand). VCF-style: chr1-159713861-G-A. GRCh37 (hg19) VCF-style: chr1-159683651-G-A.
Other names: c.339C>T, p.His113= (NM_001329057.2); c.193+146C>T (NM_001382703.1); c.197+142C>T (NM_001329058.2).
Identifiers: ClinVar variation 2639485 (VCV002639485.24), dbSNP rs2525660503, ClinGen allele CA421618661.
Genomic context (GRCh38, chr1:159,713,861, plus strand): 5'-GGGCTTCCCATCTACCCAGAACTCCACGATCCCTGAGGCGGACTCCCAGCTTGTACAAAT[G>A]TGTACTGGAGCTACTGTGACTTCAGGAACCTCGAATAATATTTCAGACCCACCCACTGTA-3'
Protein context (NP_000558.2, residues 103-123): EVPEVTVAPV[His113=]ICTSWESASG